The following is an entry in ClinVar:

NM_000070.3(CAPN3):c.2314_2316dup (p.Asp772dup)

Gene: CAPN3 (calpain 3; plus strand). Cytogenetic location: 15q15.1.
Variant type: Duplication.
Coding change: c.2314_2316dup on transcript NM_000070.3 (MANE Select); coding-DNA positions 2314 to 2316, 3 bases duplicated (GAC; older notation c.2314_2316dupGAC).
Protein change: p.Asp772dup; duplicates aspartic acid 772.
Molecular consequence: inframe insertion.
Genome position (GRCh38, 1-based): chr15:42,410,934-42,410,936, GAC duplicated. VCF-style (leftmost placement, unchanged base first): chr15-42410933-A-AGAC. GRCh37 (hg19) VCF-style: chr15-42703131-A-AGAC.
Other names: c.2296_2298dup, p.Asp766dup (NM_024344.2); c.2038_2040dup, p.Asp680dup (NM_173087.2); c.778_780dup, p.Asp260dup (NM_173088.2); c.319_321dup, p.Asp107dup (NM_173089.2, NM_173090.2); c.2314_2316dupGAC (NM_000070.3, NM_000070.2).
Identifiers: ClinVar variation 551538 (VCV000551538.12), dbSNP rs753836989, ClinGen allele CA7511831.

ClinVar aggregate classification (germline): Uncertain significance. Review status: criteria provided, multiple submitters, no conflicts (2 of 4 stars). 5 submissions from 5 submitters: Uncertain significance (3). 2 of the submissions do not count toward it. Last evaluated 2024-10-08.

Conditions:
Autosomal recessive limb-girdle muscular dystrophy type 2A (LGMDR1). Also called: Limb-girdle muscular dystrophy, type 2A; Muscular dystrophy, limb-girdle, type 2A, Amish; Calpainopathy; LEYDEN-MOEBIUS MUSCULAR DYSTROPHY; MUSCULAR DYSTROPHY, PELVOFEMORAL. Identifiers: Orphanet 267, MedGen C1869123, MONDO:0009675, OMIM 253600. Disease mechanism: loss of function.

Allele frequency attached by ClinVar (database versions not stated): gnomAD 0.00002; gnomAD exomes 0.00002; TOPMed 0.00002; ExAC 0.00002.

Submissions (5):

Labcorp Genetics (formerly Invitae), Labcorp
Classification: Uncertain significance for Autosomal recessive limb-girdle muscular dystrophy type 2A. Last evaluated: 2024-10-08. Review status: criteria provided, single submitter. Criteria: Invitae Variant Classification Sherloc (09022015). Collection method: clinical testing. Allele origin: germline.
Comment: This variant, c.2314_2316dup, results in the insertion of 1 amino acid(s) of the CAPN3 protein (p.Asp772dup), but otherwise preserves the integrity of the reading frame. This variant is present in population databases (rs753836989, gnomAD 0.004%). This variant has not been reported in the literature in individuals affected with CAPN3-related conditions. ClinVar contains an entry for this variant (Variation ID: 551538). Experimental studies and prediction algorithms are not available or were not evaluated, and the functional significance of this variant is currently unknown. In summary, the available evidence is currently insufficient to determine the role of this variant in disease. Therefore, it has been classified as a Variant of Uncertain Significance.

Blueprint Genetics
Classification: Uncertain significance. Last evaluated: 2023-05-19. Review status: criteria provided, single submitter. Criteria: ACMG Guidelines, 2015. Collection method: clinical testing. Allele origin: germline.

Revvity Omics, Revvity
Classification: Uncertain significance. Last evaluated: 2019-06-12. Review status: criteria provided, single submitter. Criteria: ACMG Guidelines, 2015. Collection method: clinical testing. Allele origin: germline.

Natera, Inc.
Classification: Uncertain significance for Limb-girdle muscular dystrophy type 2A. Last evaluated: 2020-09-16. Review status: no assertion criteria provided. Collection method: clinical testing. Allele origin: germline. Not counted in ClinVar's aggregate classification.

Counsyl
Classification: Uncertain significance for Autosomal recessive limb-girdle muscular dystrophy type 2A. Last evaluated: 2017-05-02. Review status: no assertion criteria provided. Collection method: clinical testing. Allele origin: unknown. Not counted in ClinVar's aggregate classification.